The following is an entry in ClinVar:

NM_004341.5(CAD):c.5515C>T (p.Arg1839Cys)

Gene: CAD (carbamoyl-phosphate synthetase 2, aspartate transcarbamylase, and dihydroorotase; plus strand). Cytogenetic location: 2p23.3.
Variant type: single nucleotide variant.
Coding change: c.5515C>T on transcript NM_004341.5 (MANE Select); coding-DNA position 5515, C replaced by T.
Protein change: p.Arg1839Cys; replaces arginine 1839 with cysteine.
Molecular consequence: missense variant.
Genome position (GRCh38, 1-based): chr2:27,240,283, C>T. VCF-style: chr2-27240283-C-T. GRCh37 (hg19) VCF-style: chr2-27463151-C-T.
Other names: c.5326C>T, p.Arg1776Cys (NM_001306079.2); c.5515C>T (NM_004341.3); short protein forms R1776C, R1839C.
Identifiers: ClinVar variation 1498756 (VCV001498756.6), dbSNP rs746786769, ClinGen allele CA1573912.

ClinVar aggregate classification (germline): Uncertain significance. Review status: criteria provided, multiple submitters, no conflicts (2 of 4 stars). 2 submissions from 2 submitters: Uncertain significance (2). Last evaluated 2024-04-24.

Conditions:
Inborn genetic diseases. Identifiers: MedGen C0950123, MeSH D030342.

gnomAD v4.1: 7 of 1,613,924 alleles (0.00043%); highest among the groups gnomAD compares: African/African-American, 0.0013%; no homozygotes.

Submissions (2):

Ambry Genetics
Classification: Uncertain significance for Inborn genetic diseases. Last evaluated: 2024-04-24. Review status: criteria provided, single submitter. Criteria: Ambry Variant Classification Scheme 2023. Collection method: clinical testing. Allele origin: germline.

Labcorp Genetics (formerly Invitae), Labcorp
Classification: Uncertain significance. Last evaluated: 2022-07-20. Review status: criteria provided, single submitter. Criteria: Invitae Variant Classification Sherloc (09022015). Collection method: clinical testing. Allele origin: germline.
Comment: This sequence change replaces arginine, which is basic and polar, with cysteine, which is neutral and slightly polar, at codon 1839 of the CAD protein (p.Arg1839Cys). This variant is present in population databases (rs746786769, gnomAD 0.0009%). This variant has not been reported in the literature in individuals affected with CAD-related conditions. ClinVar contains an entry for this variant (Variation ID: 1498756). Algorithms developed to predict the effect of missense changes on protein structure and function are either unavailable or do not agree on the potential impact of this missense change (SIFT: "Tolerated"; PolyPhen-2: "Possibly Damaging"; Align-GVGD: "Class C0"). Algorithms developed to predict the effect of sequence changes on RNA splicing suggest that this variant may create or strengthen a splice site. In summary, the available evidence is currently insufficient to determine the role of this variant in disease. Therefore, it has been classified as a Variant of Uncertain Significance.